The following is an entry in ClinVar:

NM_006158.5(NEFL):c.653A>C (p.Asp218Ala)

Gene: NEFL (neurofilament light chain; minus strand). Cytogenetic location: 8p21.2.
Variant type: single nucleotide variant.
Coding change: c.653A>C on transcript NM_006158.5 (MANE Select); coding-DNA position 653, A replaced by C.
Protein change: p.Asp218Ala; replaces aspartic acid 218 with alanine.
Molecular consequence: missense variant.
Genome position (GRCh38, 1-based): chr8:24,955,863, T>G on the plus strand (A>C on the coding strand, the complement: NEFL is on the minus strand). VCF-style: chr8-24955863-T-G. GRCh37 (hg19) VCF-style: chr8-24813377-T-G.
Other names: short protein forms D218A.
Identifiers: ClinVar variation 3696627 (VCV003696627.2).

ClinVar aggregate classification (germline): Uncertain significance (1 of 4 stars; one submission).

Conditions:
Charcot-Marie-Tooth disease type 2E (CMT2E). Also called: CHARCOT-MARIE-TOOTH NEUROPATHY, TYPE 2E; CHARCOT-MARIE-TOOTH DISEASE, AXONAL, TYPE 2E. Identifiers: Orphanet 99939, MedGen C1843225, MONDO:0011894, OMIM 607684.

Submission:

Labcorp Genetics (formerly Invitae), Labcorp
Classification: Uncertain significance for Charcot-Marie-Tooth disease type 2E. Last evaluated: 2024-03-04. Review status: criteria provided, single submitter. Criteria: Invitae Variant Classification Sherloc (09022015). Collection method: clinical testing. Allele origin: germline.
Comment: This sequence change replaces aspartic acid, which is acidic and polar, with alanine, which is neutral and non-polar, at codon 218 of the NEFL protein (p.Asp218Ala). This variant is not present in population databases (gnomAD no frequency). This variant has not been reported in the literature in individuals affected with NEFL-related conditions. Advanced modeling of protein sequence and biophysical properties (such as structural, functional, and spatial information, amino acid conservation, physicochemical variation, residue mobility, and thermodynamic stability) performed at Invitae indicates that this missense variant is not expected to disrupt NEFL protein function with a negative predictive value of 80%. In summary, the available evidence is currently insufficient to determine the role of this variant in disease. Therefore, it has been classified as a Variant of Uncertain Significance.